The following is an entry in ClinVar:

NM_007126.5(VCP):c.130-11T>C

Gene: VCP (valosin containing protein; minus strand). Cytogenetic location: 9p13.3.
Variant type: single nucleotide variant.
Coding change: c.130-11T>C on transcript NM_007126.5 (MANE Select); 11 bases into the intron before coding-DNA position 130, T replaced by C.
Molecular consequence: intron variant.
Genome position (GRCh38, 1-based): chr9:35,068,074, A>G on the plus strand (T>C on the coding strand, the complement: VCP is on the minus strand). VCF-style: chr9-35068074-A-G. GRCh37 (hg19) VCF-style: chr9-35068071-A-G.
Other names: c.-6-11T>C (NM_001354927.2, NM_001354928.2).
Identifiers: ClinVar variation 3763052 (VCV003763052.2).
Genomic context (GRCh38, chr9:35,068,074, plus strand): 5'-TTCAGCAACACTGTGTCACCTCGGAACAACTGCAATTCATCCATCTTGGGCTGAGGAAAG[A>G]AAGTTAAGGCCTTTGGGTCATTGGGCTGACGGGGAGTAAGCAGCAGCCCTGGAGATTGGG-3'

ClinVar aggregate classification (germline): Uncertain significance (1 of 4 stars; one submission).

Conditions:
Inclusion body myopathy with Paget disease of bone and frontotemporal dementia. Also called: Inclusion body myopathy with early-onset Paget disease and frontotemporal dementia. Identifiers: Orphanet 52430, MedGen C1833662, MONDO:0000507.
Frontotemporal dementia and/or amyotrophic lateral sclerosis 6 (FTDALS6). Also called: VCP-Related Amyotrophic Lateral Sclerosis/Frontotemporal Dementia; VCP-Related Amyotrophic Lateral Sclerosis. Identifiers: Orphanet 275872, Orphanet 803, MedGen C5436279, MONDO:0013501, OMIM 613954.

Submission:

Labcorp Genetics (formerly Invitae), Labcorp
Classification: Uncertain significance for Inclusion body myopathy with Paget disease of bone and frontotemporal dementia; Frontotemporal dementia and/or amyotrophic lateral sclerosis 6. Last evaluated: 2024-08-31. Review status: criteria provided, single submitter. Criteria: Invitae Variant Classification Sherloc (09022015). Collection method: clinical testing. Allele origin: germline.
Comment: This sequence change falls in intron 2 of the VCP gene. It does not directly change the encoded amino acid sequence of the VCP protein. This variant is not present in population databases (gnomAD no frequency). This variant has not been reported in the literature in individuals affected with VCP-related conditions. Algorithms developed to predict the effect of sequence changes on RNA splicing suggest that this variant may create or strengthen a splice site. In summary, the available evidence is currently insufficient to determine the role of this variant in disease. Therefore, it has been classified as a Variant of Uncertain Significance.